The following is an entry in ClinVar:

NM_001854.4(COL11A1):c.5042T>G (p.Leu1681Arg)

Genes: COL11A1 (collagen type XI alpha 1 chain; minus strand), LOC126805814 (P300/CBP strongly-dependent group 1 enhancer GRCh37_chr1:103344928-103346127; plus strand). Cytogenetic location: 1p21.1.
Variant type: single nucleotide variant.
Coding change: c.5042T>G on transcript NM_001854.4 (MANE Select); coding-DNA position 5042, T replaced by G.
Protein change: p.Leu1681Arg; replaces leucine 1681 with arginine.
Molecular consequence: missense variant. On other transcripts: non-coding transcript variant (1).
Genome position (GRCh38, 1-based): chr1:102,879,915, A>C on the plus strand (T>G on the coding strand, the complement: COL11A1 is on the minus strand). VCF-style: chr1-102879915-A-C. GRCh37 (hg19) VCF-style: chr1-103345471-A-C.
Other names: c.4694T>G, p.Leu1565Arg (NM_001168249.1, NM_080630.4); c.4925T>G, p.Leu1642Arg (NM_001190709.2); c.5078T>G, p.Leu1693Arg (NM_080629.3); short protein forms L1681R, L1642R, L1565R, L1693R.
Identifiers: ClinVar variation 2850125 (VCV002850125.3), dbSNP rs1650019832, ClinGen allele CA341211233.

ClinVar aggregate classification (germline): Uncertain significance (1 of 4 stars; one submission).

gnomAD v4.1: 1 of 1,598,112 alleles (0.000063%); no homozygotes.

Submission:

Labcorp Genetics (formerly Invitae), Labcorp
Classification: Uncertain significance. Last evaluated: 2023-06-15. Review status: criteria provided, single submitter. Criteria: Invitae Variant Classification Sherloc (09022015). Collection method: clinical testing. Allele origin: germline.
Comment: In summary, the available evidence is currently insufficient to determine the role of this variant in disease. Therefore, it has been classified as a Variant of Uncertain Significance. Experimental studies and prediction algorithms are not available or were not evaluated, and the functional significance of this variant is currently unknown. This variant has not been reported in the literature in individuals affected with COL11A1-related conditions. This variant is not present in population databases (gnomAD no frequency). This sequence change replaces leucine, which is neutral and non-polar, with arginine, which is basic and polar, at codon 1681 of the COL11A1 protein (p.Leu1681Arg).